The following is an entry in ClinVar:

NM_006237.4(POU4F1):c.1038G>A (p.Lys346=)

Genes: POU4F1 (POU class 4 homeobox 1; minus strand), OBI1-AS1 (OBI1 antisense RNA 1; plus strand). Cytogenetic location: 13q31.1.
Variant type: single nucleotide variant.
Coding change: c.1038G>A on transcript NM_006237.4 (MANE Select); coding-DNA position 1038, G replaced by A.
Protein change: p.Lys346=; no amino-acid change (lysine 346 retained).
Molecular consequence: synonymous variant.
Genome position (GRCh38, 1-based): chr13:78,601,637, C>T on the plus strand (G>A on the coding strand, the complement: POU4F1 is on the minus strand). VCF-style: chr13-78601637-C-T. GRCh37 (hg19) VCF-style: chr13-79175772-C-T.
Identifiers: ClinVar variation 2643864 (VCV002643864.24), dbSNP rs371001596, ClinGen allele CA7012541.

ClinVar aggregate classification (germline): Likely benign (1 of 4 stars; one submission).

Allele frequency attached by ClinVar (database versions not stated): TOPMed 0.00004; ExAC 0.00005; ESP Exome Variant Server 0.00008.

Submission:

CeGaT Center for Human Genetics Tuebingen
Classification: Likely benign. Last evaluated: 2026-09-01. Review status: criteria provided, single submitter. Criteria: CeGaT Center For Human Genetics Tuebingen Variant Classification Criteria Version 2. Collection method: clinical testing. Allele origin: germline. Affected: yes. Observed: 2 variant alleles.
Comment: POU4F1: BP4, BP7